The following is an entry in ClinVar:

ClinVar aggregate classification (germline): Uncertain significance. Review status: criteria provided, multiple submitters, no conflicts (2 of 4 stars). 2 submissions from 2 submitters: Uncertain significance (2). Last evaluated 2024-01-03.

Conditions:
Inborn genetic diseases. Identifiers: MedGen C0950123, MeSH D030342.
Glycine encephalopathy. Also called: Nonketotic hyperglycinemia; Non-ketotic hyperglycinemia. Identifiers: Orphanet 407, MedGen C0751748, MONDO:0011612, HP:0008288.

Allele frequency attached by ClinVar (database versions not stated): TOPMed 0.00008.
gnomAD v4.1: 8 of 1,613,304 alleles (0.0005%); highest among the groups gnomAD compares: Admixed American, 0.0067%; no homozygotes.

Submissions (2):

Ambry Genetics
Classification: Uncertain significance for Inborn genetic diseases. Last evaluated: 2024-01-03. Review status: criteria provided, single submitter. Criteria: Ambry Variant Classification Scheme 2023. Collection method: clinical testing. Allele origin: germline.

Labcorp Genetics (formerly Invitae), Labcorp
Classification: Uncertain significance for Glycine encephalopathy. Last evaluated: 2022-08-16. Review status: criteria provided, single submitter. Criteria: Invitae Variant Classification Sherloc (09022015). Collection method: clinical testing. Allele origin: germline.
Comment: This sequence change replaces arginine, which is basic and polar, with glycine, which is neutral and non-polar, at codon 10 of the AMT protein (p.Arg10Gly). This variant is not present in population databases (gnomAD no frequency). This variant has not been reported in the literature in individuals affected with AMT-related conditions. Advanced modeling of protein sequence and biophysical properties (such as structural, functional, and spatial information, amino acid conservation, physicochemical variation, residue mobility, and thermodynamic stability) performed at Invitae indicates that this missense variant is not expected to disrupt AMT protein function. In summary, the available evidence is currently insufficient to determine the role of this variant in disease. Therefore, it has been classified as a Variant of Uncertain Significance.

NM_000481.4(AMT):c.28C>G (p.Arg10Gly)

Genes: AMT (aminomethyltransferase; minus strand), NICN1 (nicolin 1, tubulin polyglutamylase complex subunit; minus strand). Cytogenetic location: 3p21.31.
Variant type: single nucleotide variant.
Coding change: c.28C>G on transcript NM_000481.4 (MANE Select); coding-DNA position 28, C replaced by G.
Protein change: p.Arg10Gly; replaces arginine 10 with glycine.
Molecular consequence: missense variant. On other transcripts: non-coding transcript variant (1), 3 prime UTR variant (1).
Genome position (GRCh38, 1-based): chr3:49,422,423, G>C on the plus strand (C>G on the coding strand, the complement: AMT is on the minus strand). VCF-style: chr3-49422423-G-C. GRCh37 (hg19) VCF-style: chr3-49459856-G-C.
Other names: c.28C>G, p.Arg10Gly (NM_001164710.2, NM_001164711.2, NM_001164712.2); c.*2410C>G (NM_032316.3); short protein forms R10G.
Identifiers: ClinVar variation 2040517 (VCV002040517.2), dbSNP rs774408322, ClinGen allele CA74516773.
Genomic context (GRCh38, chr3:49,422,423, plus strand): 5'-GTGCGCAACTAAGTGGACGACACAAGGCCGGGGGGAATGCCTGCAGGCGAAAGCCCAGAC[G>C]GGCCACCACACTTACAGCCCTCTGCATCGTCGCCTGCAACGAGTGCAGACGGCGCACAGA-3'
Protein context (NP_000472.2, residues 1-20): MQRAVSVVA[Arg10Gly]LGFRLQAFPP